The following is an entry in ClinVar:

ClinVar aggregate classification (germline): Uncertain significance (1 of 4 stars; one submission).

Conditions:
Short-rib thoracic dysplasia 8 with or without polydactyly (SRTD8). Also called: SHORT-RIB THORACIC DYSPLASIA 8 WITH POLYDACTYLY. Identifiers: Orphanet 93271, MedGen C3809691, MONDO:0014214, OMIM 615503.

Allele frequency attached by ClinVar (database versions not stated): TOPMed 0.00001.

Submission:

Labcorp Genetics (formerly Invitae), Labcorp
Classification: Uncertain significance for Short-rib thoracic dysplasia 8 with or without polydactyly. Last evaluated: 2024-10-29. Review status: criteria provided, single submitter. Criteria: Invitae Variant Classification Sherloc (09022015). Collection method: clinical testing. Allele origin: germline.
Comment: This sequence change replaces alanine, which is neutral and non-polar, with threonine, which is neutral and polar, at codon 1007 of the WDR60 protein (p.Ala1007Thr). This variant is not present in population databases (gnomAD no frequency). This variant has not been reported in the literature in individuals affected with WDR60-related conditions. ClinVar contains an entry for this variant (Variation ID: 2182615). An algorithm developed to predict the effect of missense changes on protein structure and function (PolyPhen-2) suggests that this variant is likely to be tolerated. In summary, the available evidence is currently insufficient to determine the role of this variant in disease. Therefore, it has been classified as a Variant of Uncertain Significance.

NM_018051.5(DYNC2I1):c.3019G>A (p.Ala1007Thr)

Gene: DYNC2I1 (dynein 2 intermediate chain 1; plus strand). Cytogenetic location: 7q36.3.
Variant type: single nucleotide variant.
Coding change: c.3019G>A on transcript NM_018051.5 (MANE Select); coding-DNA position 3019, G replaced by A.
Protein change: p.Ala1007Thr; replaces alanine 1007 with threonine.
Molecular consequence: missense variant.
Genome position (GRCh38, 1-based): chr7:158,945,597, G>A. VCF-style: chr7-158945597-G-A. GRCh37 (hg19) VCF-style: chr7-158738288-G-A.
Other names: c.2881G>A, p.Ala961Thr (NM_001350914.2); c.2446G>A, p.Ala816Thr (NM_001350915.2); c.1558G>A, p.Ala520Thr (NM_001350916.2); c.1771G>A, p.Ala591Thr (NM_001350917.2, NM_001350918.2); short protein forms A961T, A1007T, A591T, A816T, A520T.
Identifiers: ClinVar variation 2182615 (VCV002182615.3), dbSNP rs1851807467, ClinGen allele CA370192646.